The following is an entry in ClinVar:

ClinVar aggregate classification (germline): Uncertain significance. Review status: criteria provided, multiple submitters, no conflicts (2 of 4 stars). 3 submissions from 3 submitters: Uncertain significance (3). Last evaluated 2025-12-14.

Conditions:
Gastrointestinal stromal tumor. Also called: Gastrointestinal stroma tumor; Gastrointestinal stromal tumor, somatic. Identifiers: Orphanet 44890, MedGen C0238198, MeSH D046152, MONDO:0011719, OMIM 606764, HP:0100723.
Hereditary cancer-predisposing syndrome. Also called: Tumor predisposition; Hereditary Cancer Syndrome; Hereditary neoplastic syndrome; Neoplastic Syndromes, Hereditary. Identifiers: Orphanet 140162, MedGen C0027672, MeSH D009386, MONDO:0015356.

Submissions (3):

Ambry Genetics
Classification: Uncertain significance for Hereditary cancer-predisposing syndrome. Last evaluated: 2025-12-14. Review status: criteria provided, single submitter. Criteria: Ambry Variant Classification Scheme 2023. Collection method: clinical testing. Allele origin: germline.
Comment: The p.S584A variant (also known as c.1750T>G), located in coding exon 11 of the PDGFRA gene, results from a T to G substitution at nucleotide position 1750. The serine at codon 584 is replaced by alanine, an amino acid with similar properties. This amino acid position is well conserved in available vertebrate species. In addition, this alteration is predicted to be deleterious by in silico analysis. Since supporting evidence is limited at this time, the clinical significance of this alteration remains unclear.

Labcorp Genetics (formerly Invitae), Labcorp
Classification: Uncertain significance for Gastrointestinal stromal tumor. Last evaluated: 2023-11-10. Review status: criteria provided, single submitter. Criteria: Invitae Variant Classification Sherloc (09022015). Collection method: clinical testing. Allele origin: germline.
Comment: This sequence change replaces serine, which is neutral and polar, with alanine, which is neutral and non-polar, at codon 584 of the PDGFRA protein (p.Ser584Ala). This variant is not present in population databases (gnomAD no frequency). This variant has not been reported in the literature in individuals affected with PDGFRA-related conditions. ClinVar contains an entry for this variant (Variation ID: 1374750). Advanced modeling of protein sequence and biophysical properties (such as structural, functional, and spatial information, amino acid conservation, physicochemical variation, residue mobility, and thermodynamic stability) performed at Invitae indicates that this missense variant is not expected to disrupt PDGFRA protein function with a negative predictive value of 80%. In summary, the available evidence is currently insufficient to determine the role of this variant in disease. Therefore, it has been classified as a Variant of Uncertain Significance.

GeneDx
Classification: Uncertain significance. Last evaluated: 2023-04-19. Review status: criteria provided, single submitter. Criteria: GeneDx Variant Classification Process June 2021. Collection method: clinical testing. Allele origin: germline. Affected: yes.
Comment: Not observed at significant frequency in large population cohorts (gnomAD); In silico analysis supports that this missense variant does not alter protein structure/function; Has not been previously published as pathogenic or benign to our knowledge

NM_006206.6(PDGFRA):c.1750T>G (p.Ser584Ala)

Gene: PDGFRA (platelet derived growth factor receptor alpha; plus strand). Cytogenetic location: 4q12.
Variant type: single nucleotide variant.
Coding change: c.1750T>G on transcript NM_006206.6 (MANE Select); coding-DNA position 1750, T replaced by G.
Protein change: p.Ser584Ala; replaces serine 584 with alanine.
Molecular consequence: missense variant.
Genome position (GRCh38, 1-based): chr4:54,274,937, T>G. VCF-style: chr4-54274937-T-G. GRCh37 (hg19) VCF-style: chr4-55141104-T-G.
Other names: c.1750T>G, p.Ser584Ala (NM_001347827.2, NM_001347829.2); c.1825T>G, p.Ser609Ala (NM_001347828.2); c.1789T>G, p.Ser597Ala (NM_001347830.2); short protein forms S609A, S584A, S597A.
Identifiers: ClinVar variation 1374750 (VCV001374750.9), dbSNP rs2110300449, ClinGen allele CA356893231.
Genomic context (GRCh38, chr4:54,274,937, plus strand): 5'-TCAATCAGCCCAGATGGACATGAATATATTTATGTGGACCCGATGCAGCTGCCTTATGAC[T>G]CAAGATGGGAGTTTCCAAGAGATGGACTAGTGCTTGGTAAGTTCCATGGGGTAACCTCCC-3'
Protein context (NP_006197.1, residues 574-594): YVDPMQLPYD[Ser584Ala]RWEFPRDGLV